The following is an entry in ClinVar:

ClinVar aggregate classification (germline): Likely benign (1 of 4 stars; one submission).

Submission:

Mayo Clinic Laboratories, Mayo Clinic
Classification: Likely benign. Last evaluated: 2025-06-10. Review status: criteria provided, single submitter. Criteria: ACMG Guidelines, 2015. Collection method: clinical testing. Allele origin: germline. Observed: 1 variant allele.
Comment: BS1, BP1

NM_001365276.2(TNXB):c.11749C>T (p.Arg3917Trp)

Genes: TNXB (tenascin XB; minus strand), LOC106780803 (tenascin XB recombination region; plus strand). Cytogenetic location: 6p21.33.
Variant type: single nucleotide variant.
Coding change: c.11749C>T on transcript NM_001365276.2 (MANE Select); coding-DNA position 11749, C replaced by T.
Protein change: p.Arg3917Trp; replaces arginine 3917 with tryptophan.
Molecular consequence: missense variant.
Genome position (GRCh38, 1-based): chr6:32,043,220, G>A on the plus strand (C>T on the coding strand, the complement: TNXB is on the minus strand). VCF-style: chr6-32043220-G-A. GRCh37 (hg19) VCF-style: chr6-32010997-G-A.
Other names: p.Arg3915Trp; c.12490C>T, p.Arg4164Trp (NM_001428335.1); c.11743C>T, p.Arg3915Trp (NM_019105.8); c.1036C>T, p.Arg346Trp (NM_032470.4); short protein forms R346W, R3915W, R3917W, R4164W.
Identifiers: ClinVar variation 4684938 (VCV004684938.1).